The following is an entry in ClinVar:

NM_001164277.2(SLC37A4):c.595del (p.Leu199fs)

Gene: SLC37A4 (solute carrier family 37 member 4; minus strand). Cytogenetic location: 11q23.3.
Variant type: Deletion.
Coding change: c.595del on transcript NM_001164277.2 (MANE Select); coding-DNA position 595, one base deleted (C; older notation c.595delC).
Protein change: p.Leu199fs; shifts the reading frame from leucine 199.
Molecular consequence: frameshift variant.
Genome position (GRCh38, 1-based): chr11:119,027,658, G deleted on the plus strand (C on the coding strand, the reverse complement: SLC37A4 is on the minus strand); the first of 2 consecutive G bases (chr11:119,027,658-119,027,659); deleting either gives the same sequence. VCF-style (leftmost placement, unchanged base first): chr11-119027657-AG-A. GRCh37 (hg19) VCF-style: chr11-118898367-AG-A.
Other names: c.595del, p.Leu199fs (NM_001164278.2, NM_001164280.2, NM_001467.6); c.376del, p.Leu126fs (NM_001164279.2); c.595delC (NM_001164277.1); short protein forms L126fs, L199fs.
Identifiers: ClinVar variation 552905 (VCV000552905.9), dbSNP rs1474282972, ClinGen allele CA602577660.

ClinVar aggregate classification (germline): Pathogenic. Review status: criteria provided, single submitter (1 of 4 stars). 2 submissions from 2 submitters: Pathogenic (1). 1 of the submissions does not count toward it. Last evaluated 2023-01-13.

Conditions:
Glucose-6-phosphate transport defect (GSD1B). Also called: Glycogen Storage Disease Type Ib; GSD Ib. Identifiers: Orphanet 364, Orphanet 79259, MedGen C0268146, MONDO:0009288, OMIM 232220.

Submissions (2):

Labcorp Genetics (formerly Invitae), Labcorp
Classification: Pathogenic for Glucose-6-phosphate transport defect. Last evaluated: 2023-01-13. Review status: criteria provided, single submitter. Criteria: Invitae Variant Classification Sherloc (09022015). Collection method: clinical testing. Allele origin: germline.
Comment: This variant is present in population databases (no rsID available, gnomAD 0.006%). This sequence change creates a premature translational stop signal (p.Leu199Trpfs*13) in the SLC37A4 gene. It is expected to result in an absent or disrupted protein product. Loss-of-function variants in SLC37A4 are known to be pathogenic (PMID: 9758626, 10940311). This premature translational stop signal has been observed in individual(s) with a glycogen storage disease (PMID: 22899091). For these reasons, this variant has been classified as Pathogenic. ClinVar contains an entry for this variant (Variation ID: 552905).

Counsyl
Classification: Likely pathogenic for Glucose-6-phosphate transport defect. Last evaluated: 2017-07-17. Review status: no assertion criteria provided. Collection method: clinical testing. Allele origin: unknown. Not counted in ClinVar's aggregate classification.

Literature cited by the submitters: PubMed 9758626 (cited by Labcorp Genetics (formerly Invitae), Labcorp); PubMed 10940311 (cited by Labcorp Genetics (formerly Invitae), Labcorp); PubMed 22899091 (cited by Labcorp Genetics (formerly Invitae), Labcorp and Counsyl).